The following is an entry in ClinVar:

NM_000088.4(COL1A1):c.471+5G>C

Gene: COL1A1 (collagen type I alpha 1 chain; minus strand). Cytogenetic location: 17q21.33.
Variant type: single nucleotide variant.
Coding change: c.471+5G>C on transcript NM_000088.4 (MANE Select); 5 bases into the intron after coding-DNA position 471, G replaced by C.
Molecular consequence: intron variant.
Genome position (GRCh38, 1-based): chr17:50,199,221, C>G on the plus strand (G>C on the coding strand, the complement: COL1A1 is on the minus strand). VCF-style: chr17-50199221-C-G. GRCh37 (hg19) VCF-style: chr17-48276582-C-G.
Identifiers: ClinVar variation 1314134 (VCV001314134.2), dbSNP rs1555575015, ClinGen allele CA2573054490.

ClinVar aggregate classification (germline): Uncertain significance (1 of 4 stars; one submission).

Submission:

GeneDx
Classification: Uncertain significance. Last evaluated: 2021-02-22. Review status: criteria provided, single submitter. Criteria: GeneDx Variant Classification Process June 2021. Collection method: clinical testing. Allele origin: germline. Affected: yes.
Comment: Has not been previously published as pathogenic or benign to our knowledge; Not observed in large population cohorts (Lek et al., 2016); Intronic +5 splice site variant in a gene for which loss-of-function is a known mechanism of disease, and both splice predictors and evolutionary conservation support a deleterious effect, although in the absence of functional evidence the actual effect of this sequence change is unknown.